The following is an entry in ClinVar:

NM_001128178.3(NPHP1):c.522G>C (p.Lys174Asn)

Gene: NPHP1 (nephrocystin 1; minus strand). Cytogenetic location: 2q13.
Variant type: single nucleotide variant.
Coding change: c.522G>C on transcript NM_001128178.3 (MANE Select); coding-DNA position 522, G replaced by C.
Protein change: p.Lys174Asn; replaces lysine 174 with asparagine.
Molecular consequence: missense variant.
Genome position (GRCh38, 1-based): chr2:110,169,806, C>G on the plus strand (G>C on the coding strand, the complement: NPHP1 is on the minus strand). VCF-style: chr2-110169806-C-G. GRCh37 (hg19) VCF-style: chr2-110927383-C-G.
Other names: c.522G>C (NM_000272.3, NM_000272.4); c.522G>C, p.Lys174Asn (NM_000272.5, NM_001374256.1, NM_001374257.1 and 1 more transcripts); c.336G>C, p.Lys112Asn (NM_001128179.3); short protein forms K174N, K112N.
Identifiers: ClinVar variation 3584275 (VCV003584275.2).
Genomic context (GRCh38, chr2:110,169,806, plus strand): 5'-CTTATTCTGTTAGGTATGGACATCGACCCTTAGGTTAGGTTTCAGTCTTATTCTACCTAC[C>G]TTAAATGTAAGATCTCCAACTTGCTGAGCAGTAAAATCTCCAACAGCGATGTATTCTTCA-3'
Protein context (NP_001121650.1, residues 164-184): TAQQVGDLTF[Lys174Asn]KGEILLVIEK

ClinVar aggregate classification (germline): Uncertain significance. Review status: criteria provided, multiple submitters, no conflicts (2 of 4 stars). 2 submissions from 2 submitters: Uncertain significance (2). Last evaluated 2025-02-21.

Conditions:
Nephronophthisis 1 (NPHP1). Also called: Nephronophthisis familial juvenile. Identifiers: Orphanet 655, Orphanet 93592, MedGen C1855681, MONDO:0009728, OMIM 256100.
Senior-Loken syndrome 1 (SLSN1). Also called: JUVENILE NEPHRONOPHTHISIS WITH LEBER AMAUROSIS. Identifiers: Orphanet 3156, MedGen C4551559, MONDO:0009962, OMIM 266900.
Joubert syndrome with renal defect. Also called: JOUBERT SYNDROME 4. Identifiers: Orphanet 220497, MedGen C1846790, MONDO:0012308, OMIM 609583.
NPHP1-related disorder. Also called: NPHP1-related disorders; NPHP1-related condition.

gnomAD v4.1: 4 of 1,607,900 alleles (0.00025%); highest among the groups gnomAD compares: Non-Finnish European, 0.00034%; no homozygotes.

Submissions (2):

PreventionGenetics, part of Exact Sciences
Classification: Uncertain significance for NPHP1-related condition. Last evaluated: 2025-02-21. Review status: criteria provided, single submitter. Criteria: ACMG Guidelines, 2015. Collection method: clinical testing. Allele origin: germline.
Comment: The NPHP1 c.522G>C variant is predicted to result in the amino acid substitution p.Lys174Asn. To our knowledge, this variant has not been reported in the literature. This variant is reported in 0.0062% of alleles in individuals of African descent in gnomAD. At this time, the clinical significance of this variant is uncertain due to the absence of conclusive functional and genetic evidence.

Fulgent Genetics
Classification: Uncertain significance for Nephronophthisis 1; Senior-Loken syndrome 1; Joubert syndrome with renal defect. Last evaluated: 2024-03-28. Review status: criteria provided, single submitter. Criteria: ACMG Guidelines, 2015. Collection method: clinical testing. Allele origin: germline.